The following is an entry in ClinVar:

NM_001368894.2(PAX6):c.553C>T (p.Gln185Ter)

Gene: PAX6 (paired box 6; minus strand). Cytogenetic location: 11p13.
Variant type: single nucleotide variant.
Coding change: c.553C>T on transcript NM_001368894.2 (MANE Select); coding-DNA position 553, C replaced by T.
Protein change: p.Gln185Ter; replaces glutamine 185 with a stop codon.
Molecular consequence: nonsense. On other transcripts: non-coding transcript variant (2).
Genome position (GRCh38, 1-based): chr11:31,800,703, G>A on the plus strand (C>T on the coding strand, the complement: PAX6 is on the minus strand). VCF-style: chr11-31800703-G-A. GRCh37 (hg19) VCF-style: chr11-31822251-G-A.
Other names: c.511C>T, p.Gln171Ter (NM_000280.6, NM_001127612.3, NM_001258464.2 and 10 more transcripts); c.553C>T, p.Gln185Ter (NM_001258462.3, NM_001258463.2, NM_001310158.2 and 6 more transcripts); c.103C>T, p.Gln35Ter (NM_001310160.2, NM_001310161.3, NM_001368899.2 and 11 more transcripts); c.754C>T, p.Gln252Ter (NM_001368910.2); c.556C>T, p.Gln186Ter (NM_001368911.2); c.628C>T, p.Gln210Ter (NM_001368918.2, NM_001368919.2); c.586C>T, p.Gln196Ter (NM_001368920.2); c.352C>T, p.Gln118Ter (NM_001368921.2, NM_001368922.2, NM_001368923.2 and 4 more transcripts); and 1 more; short protein forms Q171*, Q118*, Q186*, Q252*, Q185*, Q210*, Q104*, Q196*.
Identifiers: ClinVar variation 430998 (VCV000430998.10), dbSNP rs1131692308, ClinGen allele CA379957911.

ClinVar aggregate classification (germline): Pathogenic. Review status: criteria provided, single submitter (1 of 4 stars). 3 submissions from 3 submitters: Pathogenic (1). 2 of the submissions do not count toward it. Last evaluated 2017-10-06.

Conditions:
Aniridia 1 (AN1). Identifiers: Orphanet 250923, MedGen C0344542, MONDO:0024507, OMIM 106210.
Irido-corneo-trabecular dysgenesis (ASGD5). Also called: ANTERIOR SEGMENT DYSGENESIS 5. Identifiers: Orphanet 708, MedGen C0344559, MONDO:0011414, OMIM 604229, HP:0000659.

Submissions (3):

Labcorp Genetics (formerly Invitae), Labcorp
Classification: Pathogenic for Aniridia 1; Irido-corneo-trabecular dysgenesis. Last evaluated: 2017-10-06. Review status: criteria provided, single submitter. Criteria: Invitae Variant Classification Sherloc (09022015). Collection method: clinical testing. Allele origin: germline.
Comment: This variant is not present in population databases (ExAC no frequency). This sequence change creates a premature translational stop signal (p.Gln171*) in the PAX6 gene. It is expected to result in an absent or disrupted protein product. This variant has been reported in the literature in an individual with congenital aniridia (PMID: 28321846). ClinVar contains an entry for this variant (Variation ID: 430998). For these reasons, this variant has been classified as Pathogenic. Loss-of-function variants in PAX6 are known to be pathogenic (PMID: 12634864).

Wessex Regional Genetics Laboratory, Salisbury District Hospital
Classification: Pathogenic for Aniridia 1. Last evaluated: 2019-08-15. Review status: no assertion criteria provided. Criteria: ACMG Guidelines, 2015. Collection method: clinical testing. Allele origin: inherited. Inheritance: Autosomal dominant inheritance. Affected: yes. Not counted in ClinVar's aggregate classification.

Laboratory of Genetic Epidemiology, Research Centre for Medical Genetics
Classification: Pathogenic for Aniridia 1. Review status: no assertion criteria provided. Collection method: research. Allele origin: de novo. Inheritance: Autosomal dominant inheritance. Affected: yes. Observed: 1 heterozygote. Not counted in ClinVar's aggregate classification.

Literature cited by the submitters: PubMed 28321846 (cited by Labcorp Genetics (formerly Invitae), Labcorp and Laboratory of Genetic Epidemiology, Research Centre for Medical Genetics); PubMed 12634864 (cited by Labcorp Genetics (formerly Invitae), Labcorp).